The following is an entry in ClinVar:

ClinVar aggregate classification (germline): Uncertain significance (1 of 4 stars; one submission).

Conditions:
Inborn genetic diseases. Identifiers: MedGen C0950123, MeSH D030342.

Allele frequency attached by ClinVar (database versions not stated): gnomAD exomes below 0.00001.
gnomAD v4.1: 1 of 1,614,152 alleles (0.000062%); highest among the groups gnomAD compares: Non-Finnish European, 0.000085%; no homozygotes.

Submission:

Ambry Genetics
Classification: Uncertain significance for Inborn genetic diseases. Last evaluated: 2021-03-02. Review status: criteria provided, single submitter. Criteria: Ambry Variant Classification Scheme 2023. Collection method: clinical testing. Allele origin: germline.
Comment: The c.3916A>G (p.T1306A) alteration is located in exon 25 (coding exon 24) of the CEP152 gene. This alteration results from a A to G substitution at nucleotide position 3916, causing the threonine (T) at amino acid position 1306 to be replaced by an alanine (A). The p.T1306A alteration is predicted to be tolerated by in silico analysis. Based on insufficient or conflicting evidence, the clinical significance of this alteration remains unclear.

NM_001194998.2(CEP152):c.4084A>G (p.Thr1362Ala)

Gene: CEP152 (centrosomal protein 152; minus strand). Cytogenetic location: 15q21.1.
Variant type: single nucleotide variant.
Coding change: c.4084A>G on transcript NM_001194998.2 (MANE Select); coding-DNA position 4084, A replaced by G.
Protein change: p.Thr1362Ala; replaces threonine 1362 with alanine.
Molecular consequence: missense variant.
Genome position (GRCh38, 1-based): chr15:48,741,610, T>C on the plus strand (A>G on the coding strand, the complement: CEP152 is on the minus strand). VCF-style: chr15-48741610-T-C. GRCh37 (hg19) VCF-style: chr15-49033807-T-C.
Other names: c.3916A>G, p.Thr1306Ala (NM_014985.4); short protein forms T1362A, T1306A.
Identifiers: ClinVar variation 2229219 (VCV002229219.2), dbSNP rs2505918281, ClinGen allele CA392337208.